The following is an entry in ClinVar:

ClinVar aggregate classification (germline): Pathogenic/Likely pathogenic. Review status: criteria provided, multiple submitters, no conflicts (2 of 4 stars). 8 submissions from 8 submitters: Pathogenic (4); Likely pathogenic (1). 3 of the submissions do not count toward it. Last evaluated 2024-03-21.

Conditions:
Cardiomyopathy (CMYO). Also called: Cardiomyopathies. Identifiers: Orphanet 167848, MedGen C0878544, MONDO:0004994, HP:0001638. Inheritance: Various modes of inheritance.
Hypertrophic cardiomyopathy. Also called: HYPERTROPHIC MYOCARDIOPATHY. Identifiers: Orphanet 217569, MedGen C0007194, MeSH D002312, MONDO:0005045, HP:0001639.
Cardiovascular phenotype. Identifiers: MedGen CN230736.

Submissions (8):

Labcorp Genetics (formerly Invitae), Labcorp
Classification: Pathogenic for Hypertrophic cardiomyopathy. Last evaluated: 2024-03-21. Review status: criteria provided, single submitter. Criteria: Invitae Variant Classification Sherloc (09022015). Collection method: clinical testing. Allele origin: germline.
Comment: This sequence change replaces aspartic acid, which is acidic and polar, with glutamic acid, which is acidic and polar, at codon 778 of the MYH7 protein (p.Asp778Glu). This variant is not present in population databases (gnomAD no frequency). This missense change has been observed in individuals with hypertrophic cardiomyopathy (PMID: 12566107, 12707239, 21896538, 22112859, 27247418, 29121657). It has also been observed to segregate with disease in related individuals. ClinVar contains an entry for this variant (Variation ID: 265252). Advanced modeling of protein sequence and biophysical properties (such as structural, functional, and spatial information, amino acid conservation, physicochemical variation, residue mobility, and thermodynamic stability) performed at Invitae indicates that this missense variant is expected to disrupt MYH7 protein function with a positive predictive value of 95%. This variant is found within a region of MYH7 between codons 181 and 937 that contains the majority of the myosin head domain. Missense variants in this region have been shown to be significantly overrepresented in individuals with hypertrophic cardiomyopathy (PMID: 27532257). For these reasons, this variant has been classified as Pathogenic.

GeneDx
Classification: Pathogenic. Last evaluated: 2022-03-29. Review status: criteria provided, single submitter. Criteria: GeneDx Variant Classification Process June 2021. Collection method: clinical testing. Allele origin: germline. Affected: yes.
Comment: Not observed at significant frequency in large population cohorts (gnomAD); In silico analysis supports that this missense variant has a deleterious effect on protein structure/function; This variant is associated with the following publications: (PMID: 29121657, 20031602, 11748309, 12707239, 12566107, 28138913, 21896538, 18761664, 27247418, 15114369, 30105547, 31513939, 31737537, 27532257, 29300372, 8343162)

Ambry Genetics
Classification: Pathogenic for Cardiovascular phenotype. Last evaluated: 2020-11-30. Review status: criteria provided, single submitter. Criteria: Ambry Variant Classification Scheme 2023. Collection method: clinical testing. Allele origin: germline.
Comment: The p.D778E pathogenic mutation (also known as c.2334C>G), located in coding exon 19 of the MYH7 gene, results from a C to G substitution at nucleotide position 2334. The aspartic acid at codon 778 is replaced by glutamic acid, an amino acid with highly similar properties. This mutation has been reported in several unrelated individuals with hypertrophic cardiomyopathy and has been shown to segregate with hypertrophic cardiomyopathy (HCM) in two of those families (Andersen PS et al. J. Med. Genet. 2001;38:E43; Havndrup O et al. Cardiovasc. Res. 2003;57:347-57; Richard P et al. Circulation. 2003;107:2227-32). The alteration has also been detected in the homozygous state in two related individuals with HCM who suffered sudden death at a young age (Richard P et al. Circulation. 2003;107:2227-32). An alteration resulting in the same amino acid change (c.2443C>A p.D778E) and several other alterations at the same codon (p.D778V and p.D778G) have also been associated with HCM (Harada H et al. Biochem. Biophys. Res. Commun. 1993;194:791-8; Van Driest SL et al. J. Am. Coll. Cardiol. 2004;44:602-10; Otsuka H et al. Circ. J. 2012;76:453-61). Based on the supporting evidence, this alteration is interpreted as a disease-causing mutation.

CHEO Genetics Diagnostic Laboratory, Children's Hospital of Eastern Ontario
Classification: Likely pathogenic for Cardiomyopathy. Last evaluated: 2018-07-11. Review status: criteria provided, single submitter. Criteria: ACMG Guidelines, 2015. Collection method: clinical testing. Allele origin: germline.

Center for Human Genetics, University of Leuven
Classification: Pathogenic for Hypertrophic cardiomyopathy. Last evaluated: 2017-02-09. Review status: criteria provided, single submitter. Criteria: ACMG Guidelines, 2015. Collection method: clinical testing. Allele origin: germline. Inheritance: Autosomal dominant inheritance. Affected: yes. Observed: 3 variant alleles.
Comment: ACMG score pathogenic

Clinical Genetics DNA and cytogenetics Diagnostics Lab, Erasmus MC, Erasmus Medical Center
Classification: Likely pathogenic. Review status: no assertion criteria provided. Collection method: clinical testing. Allele origin: germline. Affected: yes. Study: VKGL Data-share Consensus. Not counted in ClinVar's aggregate classification.

Diagnostic Laboratory, Department of Genetics, University Medical Center Groningen
Classification: Likely pathogenic. Review status: no assertion criteria provided. Collection method: clinical testing. Allele origin: germline. Affected: yes. Study: VKGL Data-share Consensus. Not counted in ClinVar's aggregate classification.

Genome Diagnostics Laboratory, University Medical Center Utrecht
Classification: Pathogenic. Review status: no assertion criteria provided. Collection method: clinical testing. Allele origin: germline. Affected: yes. Study: VKGL Data-share Consensus. Not counted in ClinVar's aggregate classification.

Literature cited by the submitters: PubMed 12566107 (cited by Labcorp Genetics (formerly Invitae), Labcorp and Ambry Genetics); PubMed 12707239 (cited by Labcorp Genetics (formerly Invitae), Labcorp and Ambry Genetics); PubMed 21896538 (cited by Labcorp Genetics (formerly Invitae), Labcorp and Ambry Genetics); PubMed 22112859 (cited by Labcorp Genetics (formerly Invitae), Labcorp and Ambry Genetics); PubMed 27247418 (cited by Labcorp Genetics (formerly Invitae), Labcorp); PubMed 29121657 (cited by Labcorp Genetics (formerly Invitae), Labcorp); PubMed 27532257 (cited by Labcorp Genetics (formerly Invitae), Labcorp); PubMed 11748309 (cited by Ambry Genetics); PubMed 18761664 (cited by Ambry Genetics); PubMed 19035361 (cited by Ambry Genetics); PubMed 25543971 (cited by Ambry Genetics); PubMed 30105547 (cited by Ambry Genetics).

NM_000257.4(MYH7):c.2334C>G (p.Asp778Glu)

Genes: MYH7 (myosin heavy chain 7; minus strand), LOC126861898 (BRD4-independent group 4 enhancer GRCh37_chr14:23893609-23894808; plus strand). Cytogenetic location: 14q11.2.
Variant type: single nucleotide variant.
Coding change: c.2334C>G on transcript NM_000257.4 (MANE Select); coding-DNA position 2334, C replaced by G.
Protein change: p.Asp778Glu; replaces aspartic acid 778 with glutamic acid.
Molecular consequence: missense variant.
Genome position (GRCh38, 1-based): chr14:23,425,371, G>C on the plus strand (C>G on the coding strand, the complement: MYH7 is on the minus strand). VCF-style: chr14-23425371-G-C. GRCh37 (hg19) VCF-style: chr14-23894580-G-C.
Other names: c.2334C>G (LRG_384t1); short protein forms D778E.
Identifiers: ClinVar variation 265252 (VCV000265252.21), dbSNP rs2069544, ClinGen allele CA10588572.